The following is an entry in ClinVar:

ClinVar aggregate classification (germline): Uncertain significance (1 of 4 stars; one submission).

Conditions:
Long QT syndrome (LQTS). Identifiers: MedGen C0023976, MeSH D008133, MONDO:0002442. Disease mechanism: loss of function. Inheritance: Various modes of inheritance.

Submission:

Labcorp Genetics (formerly Invitae), Labcorp
Classification: Uncertain significance for Long QT syndrome. Last evaluated: 2025-11-12. Review status: criteria provided, single submitter. Criteria: Invitae Variant Classification Sherloc (09022015). Collection method: clinical testing. Allele origin: germline.
Comment: This variant, c.2925_2927del, results in the deletion of 1 amino acid(s) of the KCNH2 protein (p.Glu975del), but otherwise preserves the integrity of the reading frame. This variant is not present in population databases (gnomAD no frequency). This variant has not been reported in the literature in individuals affected with KCNH2-related conditions. Experimental studies and prediction algorithms are not available or were not evaluated, and the functional significance of this variant is currently unknown. In summary, the available evidence is currently insufficient to determine the role of this variant in disease. Therefore, it has been classified as a Variant of Uncertain Significance.

NM_000238.4(KCNH2):c.2922GGA[1] (p.Glu975del)

Gene: KCNH2 (potassium voltage-gated channel subfamily H member 2; minus strand). Cytogenetic location: 7q36.1.
Variant type: Microsatellite.
Coding change: c.2922GGA[1] on transcript NM_000238.4 (MANE Select); one copy of the 3-base unit GGA starting at c.2922; the reference has two copies in a row; one copy, 3 bases deleted.
Protein change: p.Glu975del; deletes glutamic acid 975.
Molecular consequence: inframe deletion. On other transcripts: inframe indel (1).
Genome position (GRCh38, 1-based): chr7:150,947,644-150,947,646, TCC deleted on the plus strand (GGA on the coding strand, the reverse complement: KCNH2 is on the minus strand); deleting any 3 consecutive bases within chr7:150,947,644-150,947,649 gives the same sequence; the position shown is the placement nearest the transcript's 3' end. VCF-style (leftmost placement, unchanged base first): chr7-150947643-GTCC-G. GRCh37 (hg19) VCF-style: chr7-150644731-GTCC-G.
Other names: c.2634_2636GGA[1], p.Glu879del (NM_001406753.1); c.1902GGA[1], p.Glu635del (NM_172057.3); short protein forms E635del, E879del, E975del.
Identifiers: ClinVar variation 2035505 (VCV002035505.4), dbSNP rs2486006468, ClinGen allele CA2580614284.